The following is an entry in ClinVar:

ClinVar aggregate classification (germline): Benign/Likely benign. Review status: criteria provided, multiple submitters, no conflicts (2 of 4 stars). 3 submissions from 3 submitters: Benign (1); Likely benign (2). Last evaluated 2024-04-25.

Conditions:
Hereditary cancer-predisposing syndrome. Also called: Hereditary Cancer Syndrome; Neoplastic Syndromes, Hereditary; Tumor predisposition; Hereditary neoplastic syndrome. Identifiers: Orphanet 140162, MedGen C0027672, MeSH D009386, MONDO:0015356.
Familial cancer of breast. Also called: BREAST CANCER, FAMILIAL; Hereditary breast cancer; hereditary breast carcinoma. Identifiers: Orphanet 227535, MedGen C0346153, MONDO:0016419, OMIM 114480. Disease mechanism: loss of function.
Ataxia-telangiectasia syndrome (AT). Also called: Ataxia-telangiectasia, complementation group D; AT, COMPLEMENTATION GROUP C; ATAXIA-TELANGIECTASIA, COMPLEMENTATION GROUP A; ATAXIA-TELANGIECTASIA, FRESNO VARIANT; Ataxia-telangiectasia; LOUIS-BAR SYNDROME. Identifiers: Orphanet 100, MedGen C0004135, MONDO:0008840, OMIM 208900.

Submissions (3):

Myriad Genetics, Inc.
Classification: Benign for Familial cancer of breast. Last evaluated: 2024-04-25. Review status: criteria provided, single submitter. Criteria: Myriad Autosomal Dominant, Autosomal Recessive and X-Linked Classification Criteria (2023). Collection method: clinical testing. Allele origin: unknown.
Comment: This variant is considered benign. This variant is a silent/synonymous amino acid change and it is not expected to impact splicing.

Labcorp Genetics (formerly Invitae), Labcorp
Classification: Likely benign for Ataxia-telangiectasia syndrome. Last evaluated: 2023-05-30. Review status: criteria provided, single submitter. Criteria: Invitae Variant Classification Sherloc (09022015). Collection method: clinical testing. Allele origin: germline.

Ambry Genetics
Classification: Likely benign for Hereditary cancer-predisposing syndrome. Last evaluated: 2018-12-19. Review status: criteria provided, single submitter. Criteria: Ambry Variant Classification Scheme 2023. Collection method: clinical testing. Allele origin: germline.

NM_000051.4(ATM):c.1161G>A (p.Lys387=)

Gene: ATM (ATM serine/threonine kinase; plus strand). Cytogenetic location: 11q22.3.
Variant type: single nucleotide variant.
Coding change: c.1161G>A on transcript NM_000051.4 (MANE Select); coding-DNA position 1161, G replaced by A.
Protein change: p.Lys387=; no amino-acid change (lysine 387 retained).
Molecular consequence: synonymous variant.
Genome position (GRCh38, 1-based): chr11:108,249,028, G>A. VCF-style: chr11-108249028-G-A. GRCh37 (hg19) VCF-style: chr11-108119755-G-A.
Other names: c.1161G>A, p.Lys387= (NM_001351834.2).
Identifiers: ClinVar variation 185680 (VCV000185680.17), dbSNP rs786202369, ClinGen allele CA192602.
Genomic context (GRCh38, chr11:108,249,028, plus strand): 5'-TCAATCTTACACTACTACACAAAGAGAATCTAGTGATTACAGTGTCCCTTGCAAAAGGAA[G>A]AAAATAGAACTAGGCTGGGAAGTAATAAAAGATCACCTTCAGAAGTCACAGAATGATTTT-3'
Protein context (NP_000042.3, residues 377-397): SSDYSVPCKR[Lys387=]KIELGWEVIK